The following is an entry in ClinVar:

NM_001909.5(CTSD):c.1150A>G (p.Ile384Val)

Gene: CTSD (cathepsin D; minus strand). Cytogenetic location: 11p15.5.
Variant type: single nucleotide variant.
Coding change: c.1150A>G on transcript NM_001909.5 (MANE Select); coding-DNA position 1150, A replaced by G.
Protein change: p.Ile384Val; replaces isoleucine 384 with valine.
Molecular consequence: missense variant.
Genome position (GRCh38, 1-based): chr11:1,753,592, T>C on the plus strand (A>G on the coding strand, the complement: CTSD is on the minus strand). VCF-style: chr11-1753592-T-C. GRCh37 (hg19) VCF-style: chr11-1774822-T-C.
Other names: p.I384V:ATC>GTC; short protein forms I384V.
Identifiers: ClinVar variation 205344 (VCV000205344.5), dbSNP rs767863175, ClinGen allele CA314330.

ClinVar aggregate classification (germline): Uncertain significance. Review status: criteria provided, multiple submitters, no conflicts (2 of 4 stars). 2 submissions from 2 submitters: Uncertain significance (2). Last evaluated 2025-10-06.

Conditions:
Neuronal ceroid lipofuscinosis. Also called: Neuronal Ceroid Lipofuscinoses. Identifiers: Orphanet 216, Orphanet 79263, MedGen C0027877, MONDO:0016295. Disease mechanism: loss of function.

Allele frequency attached by ClinVar (database versions not stated): gnomAD exomes 0.00001; ExAC 0.00002.

Submissions (2):

Labcorp Genetics (formerly Invitae), Labcorp
Classification: Uncertain significance for Neuronal ceroid lipofuscinosis. Last evaluated: 2025-10-06. Review status: criteria provided, single submitter. Criteria: Invitae Variant Classification Sherloc (09022015). Collection method: clinical testing. Allele origin: germline.
Comment: This sequence change replaces isoleucine, which is neutral and non-polar, with valine, which is neutral and non-polar, at codon 384 of the CTSD protein (p.Ile384Val). This variant is present in population databases (rs767863175, gnomAD 0.003%). This variant has not been reported in the literature in individuals affected with CTSD-related conditions. ClinVar contains an entry for this variant (Variation ID: 205344). Invitae Evidence Modeling of protein sequence and biophysical properties (such as structural, functional, and spatial information, amino acid conservation, physicochemical variation, residue mobility, and thermodynamic stability) indicates that this missense variant is not expected to disrupt CTSD protein function with a negative predictive value of 80%. In summary, the available evidence is currently insufficient to determine the role of this variant in disease. Therefore, it has been classified as a Variant of Uncertain Significance.

GeneDx
Classification: Uncertain significance. Last evaluated: 2013-09-10. Review status: criteria provided, single submitter. Criteria: GeneDx Variant Classification (06012015). Collection method: clinical testing. Allele origin: germline. Affected: yes.
Comment: p.Ile384Val (ATC>GTC): c.1150 A>G in exon 9 of the CTSD gene (NM_001909.3). The Ile384Val missense change has not been published as a mutation, nor has it been reported as a benign polymorphism to our knowledge. A missense mutation in the adjacent amino acid (Trp383Cys) has been published in a child with cathepsin D deficiency who also had a second mutation on the other allele (Steinfeld et al., 2006). The Ile384Val variant identified was not observed in approximately 6,500 individuals of European and African American ancestry in the NHLBI Exome Sequencing Project, indicating it is not a common benign variant in these populations. This variant is a conservative substitution of one uncharged, non-polar amino acid for another at a position that is conserved across species. In silico analysis predicts this variant is probably damaging to the protein structure/function. Therefore, based on the currently available information, it is unclear whether Ile384Val is a disease-causing mutation or a rare benign variant.The variant is found in CHILD-EPI panel(s).